The following is an entry in ClinVar:

NM_000038.6(APC):c.2156C>T (p.Ala719Val)

Gene: APC (APC regulator of Wnt signaling pathway; plus strand). Cytogenetic location: 5q22.2.
Variant type: single nucleotide variant.
Coding change: c.2156C>T on transcript NM_000038.6 (MANE Select); coding-DNA position 2156, C replaced by T.
Protein change: p.Ala719Val; replaces alanine 719 with valine.
Molecular consequence: missense variant.
Genome position (GRCh38, 1-based): chr5:112,837,750, C>T. VCF-style: chr5-112837750-C-T. GRCh37 (hg19) VCF-style: chr5-112173447-C-T.
Other names: c.2156C>T, p.Ala719Val (NM_001127510.3, NM_001354895.2); c.2102C>T, p.Ala701Val (NM_001127511.3); c.2210C>T, p.Ala737Val (NM_001354896.2); c.2186C>T, p.Ala729Val (NM_001354897.2); c.2081C>T, p.Ala694Val (NM_001354898.2); c.2072C>T, p.Ala691Val (NM_001354899.2); c.2033C>T, p.Ala678Val (NM_001354900.2); c.1979C>T, p.Ala660Val (NM_001354901.2); and 5 more; short protein forms A628V, A719V, A436V, A678V, A729V, A737V, A559V, A618V.
Identifiers: ClinVar variation 820809 (VCV000820809.4), dbSNP rs1580618847, ClinGen allele CA16026054.

ClinVar aggregate classification (germline): Uncertain significance (1 of 4 stars; one submission).

Conditions:
Hereditary cancer-predisposing syndrome. Also called: Neoplastic Syndromes, Hereditary; Tumor predisposition; Hereditary Cancer Syndrome; Hereditary neoplastic syndrome. Identifiers: Orphanet 140162, MedGen C0027672, MeSH D009386, MONDO:0015356.

Submission:

Ambry Genetics
Classification: Uncertain significance for Hereditary cancer-predisposing syndrome. Last evaluated: 2019-10-17. Review status: criteria provided, single submitter. Criteria: Ambry Variant Classification Scheme 2023. Collection method: clinical testing. Allele origin: germline.
Comment: The p.A719V variant (also known as c.2156C>T), located in coding exon 15 of the APC gene, results from a C to T substitution at nucleotide position 2156. The alanine at codon 719 is replaced by valine, an amino acid with similar properties. This amino acid position is highly conserved in available vertebrate species. In addition, in silico predictors for this gene do not accurately predict pathogenicity. Since supporting evidence is limited at this time, the clinical significance of this alteration remains unclear.